The following is an entry in ClinVar:

ClinVar aggregate classification (germline): Uncertain significance (1 of 4 stars; one submission).

Conditions:
Cardiomyopathy (CMYO). Also called: Cardiomyopathies. Identifiers: Orphanet 167848, MedGen C0878544, MONDO:0004994, HP:0001638. Inheritance: Various modes of inheritance.

Submission:

Color Diagnostics, LLC DBA Color Health
Classification: Uncertain significance for Cardiomyopathy. Last evaluated: 2025-08-08. Review status: criteria provided, single submitter. Criteria: ACMG Guidelines, 2015. Collection method: clinical testing. Allele origin: germline.
Comment: This variant causes a C to A nucleotide substitution at +16 position of intron 10 of the lamin A transcript (NM_170707.3:c.1698+16C>A). This intronic variant is predicted to have neutral impact on RNA splicing. In the lamin C transcript, this variant results in the subsitution of arginine with serine at codon 572 (NM_005572.3:c.1714C>A (p.Arg572Ser)). Computational prediction suggests that this variant may not impact protein structure and function. To our knowledge, functional studies have not been reported for this variant. This variant has not been reported in individuals affected with LMNA-related disorders in the literature. This variant has not been identified in the general population by the Genome Aggregation Database (gnomAD). The available evidence is insufficient to determine the role of this variant in disease conclusively. Therefore, this variant is classified as a Variant of Uncertain Significance.

NM_005572.4(LMNA):c.1714C>A (p.Arg572Ser)

Gene: LMNA (lamin A/C; plus strand). Cytogenetic location: 1q22.
Variant type: single nucleotide variant.
Coding change: c.1714C>A on transcript NM_005572.4 (MANE Plus Clinical); coding-DNA position 1714, C replaced by A.
Protein change: p.Arg572Ser; replaces arginine 572 with serine.
Molecular consequence: missense variant. On other transcripts: intron variant (20).
Genome position (GRCh38, 1-based): chr1:156,137,759, C>A. VCF-style: chr1-156137759-C-A. GRCh37 (hg19) VCF-style: chr1-156107550-C-A.
Other names: c.1698+16C>A (NM_001406983.1, NM_001406991.1, NM_170707.4 and 2 more transcripts); c.1140+16C>A (NM_001406993.1, NM_001406995.1, NM_001406990.1 and 2 more transcripts); c.1074+16C>A (NM_001406999.1, NM_001407000.1, NM_001406994.1 and 1 more transcripts); c.1455+16C>A (NM_001406986.1, NM_001406987.1); c.1608+527C>A (NM_170708.4); c.1362+16C>A (NM_001406989.1, NM_001257374.3); c.1401+16C>A (NM_001406988.1); c.1471C>A, p.Arg491Ser (NM_001282624.2); and 3 more; short protein forms R386S, R460S, R491S, R572S.
Identifiers: ClinVar variation 4758314 (VCV004758314.1).